The following is an entry in ClinVar:

NM_001378964.1(CDON):c.*3490T>C

Gene: CDON (cell adhesion associated, oncogene regulated; minus strand). Cytogenetic location: 11q24.2.
Variant type: single nucleotide variant.
Coding change: c.*3490T>C on transcript NM_001378964.1 (MANE Select); 3490 bases downstream of the stop codon, T replaced by C.
Molecular consequence: 3 prime UTR variant.
Genome position (GRCh38, 1-based): chr11:125,957,452, A>G on the plus strand (T>C on the coding strand, the complement: CDON is on the minus strand). VCF-style: chr11-125957452-A-G. GRCh37 (hg19) VCF-style: chr11-125827347-A-G.
Other names: c.*3490T>C (NM_001243597.3, NM_016952.6).
Identifiers: ClinVar variation 303385 (VCV000303385.6), dbSNP rs11220285, ClinGen allele CA10634001.
Genomic context (GRCh38, chr11:125,957,452, plus strand): 5'-ACAAACTATAAGCAGCGTTGTACAAACAGGGAGTATTCCCACCTTCAGGGGCTATGCTAT[A>G]TGAAAGCAGCCTTCTCTTTTAATATAAAATCATATCAACCAAATAAAACCTGCCAAAGCT-3'

ClinVar aggregate classification (germline): Benign. Review status: criteria provided, multiple submitters, no conflicts (2 of 4 stars). 2 submissions from 2 submitters: Benign (2). Last evaluated 2018-01-13.

Conditions:
Holoprosencephaly 11 (HPE11). Identifiers: Orphanet 2162, MedGen C3280215, MONDO:0013642, OMIM 614226.

Allele frequency attached by ClinVar (database versions not stated): 1000 Genomes Project 0.23702; TOPMed 0.20451; gnomAD 0.20632 and 0.20329; 1000 Genomes Project 30x 0.23157; gnomAD exomes 0.50000.
gnomAD v4.1: 31,377 of 152,206 alleles (21%); highest among the groups gnomAD compares: East Asian, 42%; 3,463 homozygotes.

Submissions (2):

Illumina Laboratory Services, Illumina
Classification: Benign for Holoprosencephaly 11. Last evaluated: 2018-01-13. Review status: criteria provided, single submitter. Criteria: ICSL Variant Classification Criteria 13 December 2019. Collection method: clinical testing. Allele origin: germline.
Comment: This variant was observed in the ICSL laboratory as part of a predisposition screen in an ostensibly healthy population. It had not been previously curated by ICSL or reported in the Human Gene Mutation Database (HGMD: prior to June 1st, 2018), and was therefore a candidate for classification through an automated scoring system. Utilizing variant allele frequency, disease prevalence and penetrance estimates, and inheritance mode, an automated score was calculated to assess if this variant is too frequent to cause the disease. Based on the score and internal cut-off values, a variant classified as benign is not then subjected to further curation. The score for this variant resulted in a classification of benign for this disease.

Breakthrough Genomics
Classification: Benign. Review status: criteria provided, single submitter. Criteria: ACMG Guidelines, 2015. Collection method: not provided. Allele origin: germline. Inheritance: Autosomal dominant inheritance. Affected: yes.